The following is an entry in ClinVar:

ClinVar aggregate classification (germline): Pathogenic (1 of 4 stars; one submission).

Conditions:
Becker muscular dystrophy (BMD). Also called: MUSCULAR DYSTROPHY, PSEUDOHYPERTROPHIC PROGRESSIVE, BECKER TYPE; Becker Muscular Dystrophy (BMD). Identifiers: Orphanet 98895, MedGen C0917713, MONDO:0010311, OMIM 300376.
Duchenne muscular dystrophy (DMD). Also called: MUSCULAR DYSTROPHY, PSEUDOHYPERTROPHIC PROGRESSIVE, DUCHENNE TYPE; Duchenne Muscular Dystrophy (DMD). Identifiers: Orphanet 98896, MedGen C0013264, MONDO:0010679, OMIM 310200.

Submission:

Hunan Provincial Maternal and Child Health Care Hospital
Classification: Pathogenic for Duchenne muscular dystrophy; Becker muscular dystrophy. Last evaluated: 2024-07-01. Review status: criteria provided, single submitter. Criteria: ACMG/ClinGen CNV Guidelines, 2019. Collection method: clinical testing. Allele origin: unknown. Inheritance: X-linked recessive inheritance. Affected: no.
Comment: This is a large deletion on chrX (GRCh37: g.22421082_32898332del; ~10.48 Mb) removing multiple genes, including DMD. DMD shows haploinsufficiency sensitivity, and such multi-gene deletions are pathogenic under ACMG/ClinGen CNV criteria. Classified as Pathogenic.

GRCh37/hg19 Xp22.11-21.1(chrX:22421082-32898332)x1

Genes: ACOT9 (acyl-CoA thioesterase 9; minus strand), APOO (apolipoprotein O; minus strand), ARX (aristaless related homeobox; minus strand), CXorf58 (chromosome X open reading frame 58; plus strand), DCAF8L1 (DDB1 and CUL4 associated factor 8 like 1; minus strand) and 28 more. Cytogenetic location: Xp22.11-21.1.
Variant type: copy number loss.
Change: copy number 1 of chrX:22,421,082-32,898,332 (10.48 Mb, GRCh37 coordinates, 1-based), cytogenetic band Xp22.11-21.1.
Identifiers: ClinVar variation 4277346 (VCV004277346.1).